The following is an entry in ClinVar:

ClinVar aggregate classification (germline): Uncertain significance (1 of 4 stars; one submission).

Conditions:
Inherited glutathione synthetase deficiency. Identifiers: Orphanet 32, MedGen C5979912, MONDO:0017909.

Allele frequency attached by ClinVar (database versions not stated): gnomAD exomes below 0.00001; ExAC 0.00001; gnomAD 0.00001.
gnomAD v4.1: 1 of 1,613,982 alleles (0.000062%); highest among the groups gnomAD compares: Non-Finnish European, 0.000085%; no homozygotes.

Submission:

Labcorp Genetics (formerly Invitae), Labcorp
Classification: Uncertain significance for Glutathione synthetase deficiency with 5-oxoprolinuria. Last evaluated: 2021-09-24. Review status: criteria provided, single submitter. Criteria: Invitae Variant Classification Sherloc (09022015). Collection method: clinical testing. Allele origin: germline.
Comment: This sequence change replaces alanine with threonine at codon 292 of the GSS protein (p.Ala292Thr). The alanine residue is weakly conserved and there is a small physicochemical difference between alanine and threonine. This variant is present in population databases (rs768462266, ExAC 0.002%). This variant has not been reported in the literature in individuals affected with GSS-related conditions. Algorithms developed to predict the effect of missense changes on protein structure and function (SIFT, PolyPhen-2, Align-GVGD) all suggest that this variant is likely to be tolerated. In summary, the available evidence is currently insufficient to determine the role of this variant in disease. Therefore, it has been classified as a Variant of Uncertain Significance.

NM_000178.4(GSS):c.874G>A (p.Ala292Thr)

Gene: GSS (glutathione synthetase; minus strand). Cytogenetic location: 20q11.22.
Variant type: single nucleotide variant.
Coding change: c.874G>A on transcript NM_000178.4 (MANE Select); coding-DNA position 874, G replaced by A.
Protein change: p.Ala292Thr; replaces alanine 292 with threonine.
Molecular consequence: missense variant.
Genome position (GRCh38, 1-based): chr20:34,932,094, C>T on the plus strand (G>A on the coding strand, the complement: GSS is on the minus strand). VCF-style: chr20-34932094-C-T. GRCh37 (hg19) VCF-style: chr20-33519897-C-T.
Other names: c.874G>A, p.Ala292Thr (NM_001322494.1, NM_001322495.1); short protein forms A292T.
Identifiers: ClinVar variation 1448736 (VCV001448736.3), dbSNP rs768462266, ClinGen allele CA9825935.